The following is an entry in ClinVar:

NM_001277115.2(DNAH11):c.3771G>A (p.Lys1257=)

Gene: DNAH11 (dynein axonemal heavy chain 11; plus strand). Cytogenetic location: 7p15.3.
Variant type: single nucleotide variant.
Coding change: c.3771G>A on transcript NM_001277115.2 (MANE Select); coding-DNA position 3771, G replaced by A.
Protein change: p.Lys1257=; no amino-acid change (lysine 1257 retained).
Molecular consequence: synonymous variant.
Genome position (GRCh38, 1-based): chr7:21,606,652, G>A. VCF-style: chr7-21606652-G-A. GRCh37 (hg19) VCF-style: chr7-21646270-G-A.
Other names: c.3771G>A (NM_001277115.1); c.3771G>A, p.Lys1257= (NM_003777.3).
Identifiers: ClinVar variation 2712180 (VCV002712180.5), dbSNP rs762525044, ClinGen allele CA4179758.

ClinVar aggregate classification (germline): Benign. Review status: criteria provided, single submitter (1 of 4 stars). 2 submissions from 2 submitters: Benign (1). 1 of the submissions does not count toward it. Last evaluated 2025-08-06.

Conditions:
DNAH11-related disorder. Also called: DNAH11-related condition.
Primary ciliary dyskinesia. Also called: Ciliary dyskinesia. Identifiers: Orphanet 244, MedGen C0008780, MONDO:0016575, HP:0012265.

Allele frequency attached by ClinVar (database versions not stated): ExAC 0.00003; gnomAD 0.00004; gnomAD exomes 0.00004.
gnomAD v4.1: 46 of 1,298,960 alleles (0.0035%); highest among the groups gnomAD compares: African/African-American, 0.018%; no homozygotes.

Submissions (2):

Labcorp Genetics (formerly Invitae), Labcorp
Classification: Benign for Primary ciliary dyskinesia. Last evaluated: 2025-08-06. Review status: criteria provided, single submitter. Criteria: Invitae Variant Classification Sherloc (09022015). Collection method: clinical testing. Allele origin: germline.

PreventionGenetics, part of Exact Sciences
Classification: Likely benign for DNAH11-related condition. Last evaluated: 2021-11-12. Review status: no assertion criteria provided. Collection method: clinical testing. Allele origin: germline. Not counted in ClinVar's aggregate classification.
Comment: This variant is classified as likely benign based on ACMG/AMP sequence variant interpretation guidelines (Richards et al. 2015 PMID: 25741868, with internal and published modifications).